The following is an entry in ClinVar:

ClinVar aggregate classification (germline): Uncertain significance (1 of 4 stars; one submission).

Submission:

Mayo Clinic Laboratories, Mayo Clinic
Classification: Uncertain significance. Last evaluated: 2024-09-11. Review status: criteria provided, single submitter. Criteria: ACMG Guidelines, 2015. Collection method: clinical testing. Allele origin: germline. Observed: 1 variant allele.
Comment: BP4, PP2

NM_004736.4(XPR1):c.1325A>G (p.Lys442Arg)

Gene: XPR1 (xenotropic and polytropic retrovirus receptor 1; plus strand). Cytogenetic location: 1q25.3.
Variant type: single nucleotide variant.
Coding change: c.1325A>G on transcript NM_004736.4 (MANE Select); coding-DNA position 1325, A replaced by G.
Protein change: p.Lys442Arg; replaces lysine 442 with arginine.
Molecular consequence: missense variant. On other transcripts: intron variant (1).
Genome position (GRCh38, 1-based): chr1:180,836,540, A>G. VCF-style: chr1-180836540-A-G. GRCh37 (hg19) VCF-style: chr1-180805676-A-G.
Other names: p.Lys442Arg; c.1325A>G, p.Lys442Arg (NM_001328662.2); c.1306+1495A>G (NM_001135669.2); short protein forms K442R.
Identifiers: ClinVar variation 3380216 (VCV003380216.1).